The following is an entry in ClinVar:

NM_000342.4(SLC4A1):c.1147G>C (p.Val383Leu)

Gene: SLC4A1 (solute carrier family 4 member 1 (Diego blood group); minus strand). Cytogenetic location: 17q21.31.
Variant type: single nucleotide variant.
Coding change: c.1147G>C on transcript NM_000342.4 (MANE Select); coding-DNA position 1147, G replaced by C.
Protein change: p.Val383Leu; replaces valine 383 with leucine.
Molecular consequence: missense variant.
Genome position (GRCh38, 1-based): chr17:44,258,121, C>G on the plus strand (G>C on the coding strand, the complement: SLC4A1 is on the minus strand). VCF-style: chr17-44258121-C-G. GRCh37 (hg19) VCF-style: chr17-42335489-C-G.
Other names: short protein forms V383L.
Identifiers: ClinVar variation 2436053 (VCV002436053.4), dbSNP rs745866076, ClinGen allele CA8600366.

ClinVar aggregate classification (germline): Uncertain significance. Review status: criteria provided, multiple submitters, no conflicts (2 of 4 stars). 2 submissions from 2 submitters: Uncertain significance (2). Last evaluated 2025-09-29.

Allele frequency attached by ClinVar (database versions not stated): ExAC 0.00004; gnomAD 0.00001.
gnomAD v4.1: 68 of 1,614,052 alleles (0.0042%); highest among the groups gnomAD compares: South Asian, 0.047%; no homozygotes.

Submissions (2):

Labcorp Genetics (formerly Invitae), Labcorp
Classification: Uncertain significance. Last evaluated: 2025-09-29. Review status: criteria provided, single submitter. Criteria: Invitae Variant Classification Sherloc (09022015). Collection method: clinical testing. Allele origin: germline.
Comment: This sequence change replaces valine, which is neutral and non-polar, with leucine, which is neutral and non-polar, at codon 383 of the SLC4A1 protein (p.Val383Leu). This variant is present in population databases (rs745866076, gnomAD 0.03%). This variant has not been reported in the literature in individuals affected with SLC4A1-related conditions. ClinVar contains an entry for this variant (Variation ID: 2436053). Invitae Evidence Modeling of protein sequence and biophysical properties (such as structural, functional, and spatial information, amino acid conservation, physicochemical variation, residue mobility, and thermodynamic stability) indicates that this missense variant is not expected to disrupt SLC4A1 protein function with a negative predictive value of 80%. In summary, the available evidence is currently insufficient to determine the role of this variant in disease. Therefore, it has been classified as a Variant of Uncertain Significance.

Revvity Omics, Revvity
Classification: Uncertain significance. Last evaluated: 2022-08-17. Review status: criteria provided, single submitter. Criteria: ACMG Guidelines, 2015. Collection method: clinical testing. Allele origin: germline.